The following is an entry in ClinVar:

NM_152743.4(BRAT1):c.1134+9G>A

Gene: BRAT1 (BRCA1 associated ATM activator 1; minus strand). Cytogenetic location: 7p22.3.
Variant type: single nucleotide variant.
Coding change: c.1134+9G>A on transcript NM_152743.4 (MANE Select); 9 bases into the intron after coding-DNA position 1134, G replaced by A.
Molecular consequence: intron variant.
Genome position (GRCh38, 1-based): chr7:2,541,709, C>T on the plus strand (G>A on the coding strand, the complement: BRAT1 is on the minus strand). VCF-style: chr7-2541709-C-T. GRCh37 (hg19) VCF-style: chr7-2581343-C-T.
Other names: c.609+9G>A (NM_001350627.2); c.1134+9G>A (NM_001350626.2).
Identifiers: ClinVar variation 472929 (VCV000472929.12), dbSNP rs752297498, ClinGen allele CA4127922.

ClinVar aggregate classification (germline): Likely benign. Review status: criteria provided, single submitter (1 of 4 stars). 2 submissions from 2 submitters: Likely benign (1). 1 of the submissions does not count toward it. Last evaluated 2026-01-05.

Conditions:
BRAT1-related disorder. Also called: BRAT1-related condition; BRAT1-related disorders.
Neonatal-onset encephalopathy with rigidity and seizures. Also called: Lethal neonatal spasticity-epileptic encephalopathy syndrome. Identifiers: Orphanet 435845, MedGen C3281029, MONDO:0013784, OMIM 614498.

Allele frequency attached by ClinVar (database versions not stated): gnomAD exomes 0.00003 and 0.00005; ExAC 0.00005; TOPMed 0.00008; gnomAD 0.00012 and 0.00013.
gnomAD v4.1: 55 of 1,602,598 alleles (0.0034%); highest among the groups gnomAD compares: Admixed American, 0.041%; no homozygotes.

Submissions (2):

Labcorp Genetics (formerly Invitae), Labcorp
Classification: Likely benign for Neonatal-onset encephalopathy with rigidity and seizures. Last evaluated: 2026-01-05. Review status: criteria provided, single submitter. Criteria: Invitae Variant Classification Sherloc (09022015). Collection method: clinical testing. Allele origin: germline.

PreventionGenetics, part of Exact Sciences
Classification: Likely benign for BRAT1-related condition. Last evaluated: 2019-05-31. Review status: no assertion criteria provided. Collection method: clinical testing. Allele origin: germline. Not counted in ClinVar's aggregate classification.
Comment: This variant is classified as likely benign based on ACMG/AMP sequence variant interpretation guidelines (Richards et al. 2015 PMID: 25741868, with internal and published modifications).